The following is an entry in ClinVar:

NM_001148.6(ANK2):c.2194T>G (p.Leu732Val)

Gene: ANK2 (ankyrin 2; plus strand). Cytogenetic location: 4q26.
Variant type: single nucleotide variant.
Coding change: c.2194T>G on transcript NM_001148.6 (MANE Select); coding-DNA position 2194, T replaced by G.
Protein change: p.Leu732Val; replaces leucine 732 with valine.
Molecular consequence: missense variant.
Genome position (GRCh38, 1-based): chr4:113,288,403, T>G. VCF-style: chr4-113288403-T-G. GRCh37 (hg19) VCF-style: chr4-114209559-T-G.
Other names: c.2131T>G, p.Leu711Val (NM_001127493.3, NM_001354239.2, NM_001354243.2 and 10 more transcripts); c.2194T>G, p.Leu732Val (NM_001354225.2, NM_001354228.2, NM_001354232.2 and 6 more transcripts); c.2239T>G, p.Leu747Val (NM_001354230.2, NM_001354231.2, NM_001354237.2 and 5 more transcripts); c.2095T>G, p.Leu699Val (NM_001354245.2, NM_001354268.2); c.2107T>G, p.Leu703Val (NM_001354249.2, NM_001354264.2, NM_001354266.2 and 10 more transcripts); c.2032T>G, p.Leu678Val (NM_001354253.2, NM_001354257.2, NM_001354270.2 and 1 more transcripts); c.2008T>G, p.Leu670Val (NM_001354260.2, NM_001354271.2, NM_001386151.1); c.2152T>G, p.Leu718Val (NM_001354261.2, NM_001386147.1, NM_001386160.1); and 8 more; short protein forms L666V, L720V, L728V, L604V, L637V, L662V, L718V, L670V.
Identifiers: ClinVar variation 3295174 (VCV003295174.1).

ClinVar aggregate classification (germline): Uncertain significance (1 of 4 stars; one submission).

Conditions:
Cardiovascular phenotype. Identifiers: MedGen CN230736.

Submission:

Ambry Genetics
Classification: Uncertain significance for Cardiovascular phenotype. Last evaluated: 2024-03-29. Review status: criteria provided, single submitter. Criteria: Ambry Variant Classification Scheme 2023. Collection method: clinical testing. Allele origin: germline.
Comment: The c.2194T>G (p.L732V) alteration is located in exon 20 (coding exon 20) of the ANK2 gene. This alteration results from a T to G substitution at nucleotide position 2194, causing the leucine (L) at amino acid position 732 to be replaced by a valine (V). This variant was not reported in population-based cohorts in the Genome Aggregation Database (gnomAD). This amino acid position is highly conserved in available vertebrate species. This alteration is predicted to be deleterious by in silico analysis. Based on insufficient or conflicting evidence, the clinical significance of this alteration remains unclear.